The following is an entry in ClinVar:

NM_020822.3(KCNT1):c.464T>C (p.Phe155Ser)

Gene: KCNT1 (potassium sodium-activated channel subfamily T member 1; plus strand). Cytogenetic location: 9q34.3.
Variant type: single nucleotide variant.
Coding change: c.464T>C on transcript NM_020822.3 (MANE Select); coding-DNA position 464, T replaced by C.
Protein change: p.Phe155Ser; replaces phenylalanine 155 with serine.
Molecular consequence: missense variant.
Genome position (GRCh38, 1-based): chr9:135,753,966, T>C. VCF-style: chr9-135753966-T-C. GRCh37 (hg19) VCF-style: chr9-138645812-T-C.
Other names: c.320T>C, p.Phe107Ser (NM_001272003.2); short protein forms F107S, F155S.
Identifiers: ClinVar variation 1987114 (VCV001987114.4), dbSNP rs2490806399, ClinGen allele CA375495826.

ClinVar aggregate classification (germline): Uncertain significance (1 of 4 stars; one submission).

Conditions:
Autosomal dominant nocturnal frontal lobe epilepsy 5. Also called: Epilepsy, nocturnal frontal lobe, 5; CILIARY DYSKINESIA, PRIMARY, 28, WITHOUT SITUS INVERSUS; CILIARY DYSKINESIA, PRIMARY, 28, WITH SITUS INVERSUS; KCNT1-Related Epilepsy. Identifiers: Orphanet 98784, MedGen C3554306, MONDO:0014002, OMIM 615005.
Developmental and epileptic encephalopathy, 14 (DEE14). Also called: Early infantile epileptic encephalopathy 14. Identifiers: Orphanet 293181, MedGen C3554195, MONDO:0013989, OMIM 614959.

Submission:

Labcorp Genetics (formerly Invitae), Labcorp
Classification: Uncertain significance for Autosomal dominant nocturnal frontal lobe epilepsy 5; Developmental and epileptic encephalopathy, 14. Last evaluated: 2024-09-29. Review status: criteria provided, single submitter. Criteria: Invitae Variant Classification Sherloc (09022015). Collection method: clinical testing. Allele origin: germline.
Comment: This sequence change replaces phenylalanine, which is neutral and non-polar, with serine, which is neutral and polar, at codon 155 of the KCNT1 protein (p.Phe155Ser). This variant is not present in population databases (gnomAD no frequency). This variant has not been reported in the literature in individuals affected with KCNT1-related conditions. ClinVar contains an entry for this variant (Variation ID: 1987114). Invitae Evidence Modeling of protein sequence and biophysical properties (such as structural, functional, and spatial information, amino acid conservation, physicochemical variation, residue mobility, and thermodynamic stability) indicates that this missense variant is not expected to disrupt KCNT1 protein function with a negative predictive value of 95%. In summary, the available evidence is currently insufficient to determine the role of this variant in disease. Therefore, it has been classified as a Variant of Uncertain Significance.